The following is an entry in ClinVar:

NM_032043.3(BRIP1):c.1690A>G (p.Ile564Val)

Gene: BRIP1 (BRCA1 interacting DNA helicase 1; minus strand). Cytogenetic location: 17q23.2.
Variant type: single nucleotide variant.
Coding change: c.1690A>G on transcript NM_032043.3 (MANE Select); coding-DNA position 1690, A replaced by G.
Protein change: p.Ile564Val; replaces isoleucine 564 with valine.
Molecular consequence: missense variant.
Genome position (GRCh38, 1-based): chr17:61,780,944, T>C on the plus strand (A>G on the coding strand, the complement: BRIP1 is on the minus strand). VCF-style: chr17-61780944-T-C. GRCh37 (hg19) VCF-style: chr17-59858305-T-C.
Other names: short protein forms I564V.
Identifiers: ClinVar variation 479453 (VCV000479453.5), dbSNP rs1555602569, ClinGen allele CA400480456.
Genomic context (GRCh38, chr17:61,780,944, plus strand): 5'-TTTTCTGTCGTGAACGTTTCTTATTTTTTGGTAGAACCAACAACCCATTTTTGTCTGAAA[T>C]ATCAATCTGATTTGTCCAGGAGTAAGTCTGTTGAATCGCAATTTTATAATCATCTGCAAA-3'
Protein context (NP_114432.2, residues 554-574): QTYSWTNQID[Ile564Val]SDKNGLLVLP

ClinVar aggregate classification (germline): Uncertain significance (1 of 4 stars; one submission).

Conditions:
Hereditary cancer-predisposing syndrome. Also called: Neoplastic Syndromes, Hereditary; Hereditary Cancer Syndrome; Hereditary neoplastic syndrome; Tumor predisposition. Identifiers: Orphanet 140162, MedGen C0027672, MeSH D009386, MONDO:0015356.

Submission:

Ambry Genetics
Classification: Uncertain significance for Hereditary cancer-predisposing syndrome. Last evaluated: 2023-09-26. Review status: criteria provided, single submitter. Criteria: Ambry Variant Classification Scheme 2023. Collection method: clinical testing. Allele origin: germline.
Comment: The p.I564V variant (also known as c.1690A>G), located in coding exon 11 of the BRIP1 gene, results from an A to G substitution at nucleotide position 1690. The isoleucine at codon 564 is replaced by valine, an amino acid with highly similar properties. This amino acid position is poorly conserved in available vertebrate species. In addition, this alteration is predicted to be tolerated by in silico analysis. Since supporting evidence is limited at this time, the clinical significance of this alteration remains unclear.